The following is an entry in ClinVar:

NM_000370.3(TTPA):c.123G>A (p.Pro41=)

Gene: TTPA (alpha tocopherol transfer protein; minus strand). Cytogenetic location: 8q12.3.
Variant type: single nucleotide variant.
Coding change: c.123G>A on transcript NM_000370.3 (MANE Select); coding-DNA position 123, G replaced by A.
Protein change: p.Pro41=; no amino-acid change (proline 41 retained).
Molecular consequence: synonymous variant.
Genome position (GRCh38, 1-based): chr8:63,085,899, C>T on the plus strand (G>A on the coding strand, the complement: TTPA is on the minus strand). VCF-style: chr8-63085899-C-T. GRCh37 (hg19) VCF-style: chr8-63998458-C-T.
Identifiers: ClinVar variation 991598 (VCV000991598.12), dbSNP rs1368032681, ClinGen allele CA461212365.
Genomic context (GRCh38, chr8:63,085,899, plus strand): 5'-GAAATCCCGGGCGCGCAGGAACCGCAGCAGGAAGGAGTCGGTGAGCGGCAGCGGCGCGAG[C>T]GGGACGCCAGCTTCCCGGGCCCGGCGCCGCAGCGCCGCCAGGCCCGGCTGCAGCAACGGA-3'
Protein context (NP_000361.1, residues 31-51): LRRRAREAGV[Pro41=]LAPLPLTDSF

ClinVar aggregate classification (germline): Likely benign. Review status: criteria provided, single submitter (1 of 4 stars). 3 submissions from 3 submitters: Likely benign (1). 2 of the submissions do not count toward it. Last evaluated 2025-11-27.

Conditions:
Familial isolated deficiency of vitamin E (AVED). Also called: Ataxia with isolated vitamin E deficiency; ATAXIA, FRIEDREICH-LIKE, WITH SELECTIVE VITAMIN E DEFICIENCY. Identifiers: Orphanet 96, MedGen C1848533, MONDO:0010188, OMIM 277460.
TTPA-related disorder. Also called: TTPA-related condition.

gnomAD v4.1: 8 of 1,529,484 alleles (0.00052%); highest among the groups gnomAD compares: East Asian, 0.0025%; no homozygotes.

Submissions (3):

Labcorp Genetics (formerly Invitae), Labcorp
Classification: Likely benign. Last evaluated: 2025-11-27. Review status: criteria provided, single submitter. Criteria: Invitae Variant Classification Sherloc (09022015). Collection method: clinical testing. Allele origin: germline.

Natera, Inc.
Classification: Uncertain significance for Ataxia with isolated vitamin E deficiency. Last evaluated: 2020-08-13. Review status: no assertion criteria provided. Collection method: clinical testing. Allele origin: germline. Not counted in ClinVar's aggregate classification.

PreventionGenetics, part of Exact Sciences
Classification: Likely benign for TTPA-related condition. Last evaluated: 2019-08-21. Review status: no assertion criteria provided. Collection method: clinical testing. Allele origin: germline. Not counted in ClinVar's aggregate classification.
Comment: This variant is classified as likely benign based on ACMG/AMP sequence variant interpretation guidelines (Richards et al. 2015 PMID: 25741868, with internal and published modifications).